The following is an entry in ClinVar:

ClinVar aggregate classification (germline): Uncertain significance (1 of 4 stars; one submission).

Submission:

Labcorp Genetics (formerly Invitae), Labcorp
Classification: Uncertain significance. Last evaluated: 2026-01-24. Review status: criteria provided, single submitter. Criteria: Invitae Variant Classification Sherloc (09022015). Collection method: clinical testing. Allele origin: germline.
Comment: This sequence change replaces alanine, which is neutral and non-polar, with valine, which is neutral and non-polar, at codon 8 of the OPA1 protein (p.Ala8Val). This variant is not present in population databases (gnomAD no frequency). This missense change has been observed in individual(s) with OPA1-related conditions (PMID: 33884488). Invitae Evidence Modeling of protein sequence and biophysical properties (such as structural, functional, and spatial information, amino acid conservation, physicochemical variation, residue mobility, and thermodynamic stability) indicates that this missense variant is not expected to disrupt OPA1 protein function with a negative predictive value of 95%. In summary, the available evidence is currently insufficient to determine the role of this variant in disease. Therefore, it has been classified as a Variant of Uncertain Significance.

Literature cited by the submitters: PubMed 33884488.

NM_130837.3(OPA1):c.23C>T (p.Ala8Val)

Gene: OPA1 (OPA1 mitochondrial dynamin like GTPase; plus strand). Cytogenetic location: 3q29.
Variant type: single nucleotide variant.
Coding change: c.23C>T on transcript NM_130837.3 (MANE Select); coding-DNA position 23, C replaced by T.
Protein change: p.Ala8Val; replaces alanine 8 with valine.
Molecular consequence: missense variant. On other transcripts: 5 prime UTR variant (2).
Genome position (GRCh38, 1-based): chr3:193,593,400, C>T. VCF-style: chr3-193593400-C-T. GRCh37 (hg19) VCF-style: chr3-193311189-C-T.
Other names: c.-408C>T (NM_001354663.2, NM_001354664.2); c.23C>T, p.Ala8Val (NM_015560.3, NM_130831.3, NM_130832.3 and 4 more transcripts); short protein forms A8V.
Identifiers: ClinVar variation 4778750 (VCV004778750.1).
Genomic context (GRCh38, chr3:193,593,400, plus strand): 5'-GGCCGTCTCGGCGCCTGCGTGACCTCCCCGCCGGCGGGATGTGGCGACTACGTCGGGCCG[C>T]TGTGGCCTGGTAAGTGCAGGCTCTAATCTGGCCCCGTTAATTCTGGGGCCTCTTGAGAGT-3'
Protein context (NP_570850.2, residues 1-18): MWRLRRA[Ala8Val]VACEVCQSLV